The following is an entry in ClinVar:

NM_000186.4(CFH):c.3002T>C (p.Met1001Thr)

Gene: CFH (complement factor H; plus strand). Cytogenetic location: 1q31.3.
Variant type: single nucleotide variant.
Coding change: c.3002T>C on transcript NM_000186.4 (MANE Select); coding-DNA position 3002, T replaced by C.
Protein change: p.Met1001Thr; replaces methionine 1001 with threonine.
Molecular consequence: missense variant.
Genome position (GRCh38, 1-based): chr1:196,741,920, T>C. VCF-style: chr1-196741920-T-C. GRCh37 (hg19) VCF-style: chr1-196711050-T-C.
Other names: short protein forms M1001T.
Identifiers: ClinVar variation 1510269 (VCV001510269.8), dbSNP rs748231095, ClinGen allele CA1305805.

ClinVar aggregate classification (germline): Uncertain significance (1 of 4 stars; one submission).

Allele frequency attached by ClinVar (database versions not stated): gnomAD exomes below 0.00001; ExAC 0.00001.

Submission:

Labcorp Genetics (formerly Invitae), Labcorp
Classification: Uncertain significance. Last evaluated: 2022-07-18. Review status: criteria provided, single submitter. Criteria: Invitae Variant Classification Sherloc (09022015). Collection method: clinical testing. Allele origin: germline.
Comment: ClinVar contains an entry for this variant (Variation ID: 1510269). This variant has not been reported in the literature in individuals affected with CFH-related conditions. This sequence change replaces methionine, which is neutral and non-polar, with threonine, which is neutral and polar, at codon 1001 of the CFH protein (p.Met1001Thr). This variant is present in population databases (rs748231095, gnomAD 0.006%). In summary, the available evidence is currently insufficient to determine the role of this variant in disease. Therefore, it has been classified as a Variant of Uncertain Significance. Algorithms developed to predict the effect of missense changes on protein structure and function output the following: SIFT: "Tolerated"; PolyPhen-2: "Benign"; Align-GVGD: "Class C0". The threonine amino acid residue is found in multiple mammalian species, which suggests that this missense change does not adversely affect protein function.